The following is an entry in ClinVar:

ClinVar aggregate classification (germline): Uncertain significance (1 of 4 stars; one submission).

Allele frequency attached by ClinVar (database versions not stated): gnomAD exomes 0.00001; TOPMed 0.00001.
gnomAD v4.1: 4 of 1,613,578 alleles (0.00025%); highest among the groups gnomAD compares: Admixed American, 0.0067%; no homozygotes.

Submission:

Labcorp Genetics (formerly Invitae), Labcorp
Classification: Uncertain significance. Last evaluated: 2024-05-07. Review status: criteria provided, single submitter. Criteria: Invitae Variant Classification Sherloc (09022015). Collection method: clinical testing. Allele origin: germline.
Comment: This sequence change replaces aspartic acid, which is acidic and polar, with histidine, which is basic and polar, at codon 1045 of the MICAL1 protein (p.Asp1045His). This variant is present in population databases (no rsID available, gnomAD 0.01%). This variant has not been reported in the literature in individuals affected with MICAL1-related conditions. An algorithm developed to predict the effect of missense changes on protein structure and function (PolyPhen-2) suggests that this variant is likely to be disruptive. In summary, the available evidence is currently insufficient to determine the role of this variant in disease. Therefore, it has been classified as a Variant of Uncertain Significance.

NM_022765.4(MICAL1):c.3076G>C (p.Asp1026His)

Gene: MICAL1 (microtubule associated monooxygenase, calponin and LIM domain containing 1; minus strand). Cytogenetic location: 6q21.
Variant type: single nucleotide variant.
Coding change: c.3076G>C on transcript NM_022765.4 (MANE Select); coding-DNA position 3076, G replaced by C.
Protein change: p.Asp1026His; replaces aspartic acid 1026 with histidine.
Molecular consequence: missense variant.
Genome position (GRCh38, 1-based): chr6:109,444,319, C>G on the plus strand (G>C on the coding strand, the complement: MICAL1 is on the minus strand). VCF-style: chr6-109444319-C-G. GRCh37 (hg19) VCF-style: chr6-109765522-C-G.
Other names: c.2818G>C, p.Asp940His (NM_001159291.2); c.3133G>C, p.Asp1045His (NM_001286613.2); short protein forms D1026H, D1045H, D940H.
Identifiers: ClinVar variation 2994707 (VCV002994707.3), dbSNP rs1297256878, ClinGen allele CA365219328.